The following is an entry in ClinVar:

NM_006031.6(PCNT):c.6150+30C>A

Gene: PCNT (pericentrin; plus strand). Cytogenetic location: 21q22.3.
Variant type: single nucleotide variant.
Coding change: c.6150+30C>A on transcript NM_006031.6 (MANE Select); 30 bases into the intron after coding-DNA position 6150, C replaced by A.
Molecular consequence: intron variant.
Genome position (GRCh38, 1-based): chr21:46,413,022, C>A. VCF-style: chr21-46413022-C-A. GRCh37 (hg19) VCF-style: chr21-47832936-C-A.
Other names: c.5796+30C>A (NM_001315529.2).
Identifiers: ClinVar variation 159630 (VCV000159630.6), dbSNP rs13046462, ClinGen allele CA173039.

ClinVar aggregate classification (germline): Likely benign (0 of 4 stars; one submission).

Allele frequency attached by ClinVar (database versions not stated): ExAC 0.00006; gnomAD 0.00026; gnomAD exomes 0.00032.

Submission:

Genetic Services Laboratory, University of Chicago
Classification: Likely benign. Review status: no assertion criteria provided. Collection method: clinical testing. Allele origin: germline. Inheritance: Autosomal recessive inheritance.
Comment: Likely benign based on allele frequency in 1000 Genomes Project or ESP global frequency and its presence in a patient with a rare or unrelated disease phenotype. NOT Sanger confirmed